The following is an entry in ClinVar:

ClinVar aggregate classification (germline): Uncertain significance (1 of 4 stars; one submission).

Allele frequency attached by ClinVar (database versions not stated): gnomAD exomes below 0.00001; ExAC 0.00001.
gnomAD v4.1: 2 of 1,597,994 alleles (0.00013%); highest among the groups gnomAD compares: Admixed American, 0.0017%; no homozygotes.

Submission:

Labcorp Genetics (formerly Invitae), Labcorp
Classification: Uncertain significance. Last evaluated: 2022-10-24. Review status: criteria provided, single submitter. Criteria: Invitae Variant Classification Sherloc (09022015). Collection method: clinical testing. Allele origin: germline.
Comment: Advanced modeling of protein sequence and biophysical properties (such as structural, functional, and spatial information, amino acid conservation, physicochemical variation, residue mobility, and thermodynamic stability) performed at Invitae indicates that this missense variant is not expected to disrupt PITPNM3 protein function. In summary, the available evidence is currently insufficient to determine the role of this variant in disease. Therefore, it has been classified as a Variant of Uncertain Significance. This variant has not been reported in the literature in individuals affected with PITPNM3-related conditions. This variant is present in population databases (rs752245124, gnomAD 0.0009%). This sequence change replaces proline, which is neutral and non-polar, with arginine, which is basic and polar, at codon 894 of the PITPNM3 protein (p.Pro894Arg).

NM_031220.4(PITPNM3):c.2681C>G (p.Pro894Arg)

Gene: PITPNM3 (PITPNM family member 3; minus strand). Cytogenetic location: 17p13.2.
Variant type: single nucleotide variant.
Coding change: c.2681C>G on transcript NM_031220.4 (MANE Select); coding-DNA position 2681, C replaced by G.
Protein change: p.Pro894Arg; replaces proline 894 with arginine.
Molecular consequence: missense variant.
Genome position (GRCh38, 1-based): chr17:6,455,582, G>C on the plus strand (C>G on the coding strand, the complement: PITPNM3 is on the minus strand). VCF-style: chr17-6455582-G-C. GRCh37 (hg19) VCF-style: chr17-6358902-G-C.
Other names: c.2573C>G, p.Pro858Arg (NM_001165966.2); short protein forms P894R, P858R.
Identifiers: ClinVar variation 1970430 (VCV001970430.5), dbSNP rs752245124, ClinGen allele CA8329051.